The following is an entry in ClinVar:

ClinVar aggregate classification (germline): Uncertain significance (1 of 4 stars; one submission).

Submission:

Labcorp Genetics (formerly Invitae), Labcorp
Classification: Uncertain significance. Last evaluated: 2023-07-20. Review status: criteria provided, single submitter. Criteria: Invitae Variant Classification Sherloc (09022015). Collection method: clinical testing. Allele origin: germline.
Comment: In summary, the available evidence is currently insufficient to determine the role of this variant in disease. Therefore, it has been classified as a Variant of Uncertain Significance. An algorithm developed to predict the effect of missense changes on protein structure and function (PolyPhen-2) suggests that this variant is likely to be disruptive. This variant has not been reported in the literature in individuals affected with DDX41-related conditions. This variant is not present in population databases (gnomAD no frequency). This sequence change replaces glutamic acid, which is acidic and polar, with lysine, which is basic and polar, at codon 113 of the DDX41 protein (p.Glu113Lys).

NM_016222.4(DDX41):c.337G>A (p.Glu113Lys)

Gene: DDX41 (DEAD-box helicase 41; minus strand). Cytogenetic location: 5q35.3.
Variant type: single nucleotide variant.
Coding change: c.337G>A on transcript NM_016222.4 (MANE Select); coding-DNA position 337, G replaced by A.
Protein change: p.Glu113Lys; replaces glutamic acid 113 with lysine.
Molecular consequence: missense variant. On other transcripts: 5 prime UTR variant (2).
Genome position (GRCh38, 1-based): chr5:177,516,155, C>T on the plus strand (G>A on the coding strand, the complement: DDX41 is on the minus strand). VCF-style: chr5-177516155-C-T. GRCh37 (hg19) VCF-style: chr5-176943156-C-T.
Other names: c.-42G>A (NM_001321732.2, NM_001321830.2); short protein forms E113K.
Identifiers: ClinVar variation 2743274 (VCV002743274.3), dbSNP rs2532089170, ClinGen allele CA362376788.